The following is an entry in ClinVar:

NM_001127208.3(TET2):c.2518del (p.His839_Leu840insTer)

Genes: TET2 (tet methylcytosine dioxygenase 2; plus strand), TET2-AS1 (TET2 antisense RNA 1; minus strand). Cytogenetic location: 4q24.
Variant type: Deletion.
Coding change: c.2518del on transcript NM_001127208.3 (MANE Select); coding-DNA position 2518, one base deleted (C; older notation c.2518delC).
Protein change: p.His839_Leu840insTer.
Molecular consequence: nonsense.
Genome position (GRCh38, 1-based): chr4:105,236,460, C deleted; the last of 2 consecutive C bases (chr4:105,236,459-105,236,460); deleting either gives the same sequence. VCF-style (leftmost placement, unchanged base first): chr4-105236458-AC-A. GRCh37 (hg19) VCF-style: chr4-106157615-AC-A.
Other names: c.2518del, p.His839_Leu840insTer (NM_017628.4).
Identifiers: ClinVar variation 3376143 (VCV003376143.3).

ClinVar aggregate classification (germline): Pathogenic (1 of 4 stars; one submission).

Conditions:
Immunodeficiency 75. Also called: IMMUNODEFICIENCY 75 WITH LYMPHOPROLIFERATION. Identifiers: Orphanet 664729, MedGen C5436860, MONDO:0030858, OMIM 619126.

Submission:

Institute of Human Genetics, University of Leipzig Medical Center
Classification: Pathogenic for Immunodeficiency 75. Last evaluated: 2024-11-01. Review status: criteria provided, single submitter. Criteria: ACMG Guidelines, 2015. Collection method: clinical testing. Allele origin: unknown. Inheritance: Autosomal recessive inheritance. Affected: yes.
Comment: Criteria applied: PVS1,PM2; Identified as compound heterozygous with NM_001127208.3:c.3755_3765dup